The following is an entry in ClinVar:

ClinVar aggregate classification (germline): Uncertain significance (1 of 4 stars; one submission).

gnomAD v4.1: 292 of 1,589,708 alleles (0.018%); highest among the groups gnomAD compares: Non-Finnish European, 0.024%; no homozygotes.

Submission:

Labcorp Genetics (formerly Invitae), Labcorp
Classification: Uncertain significance. Last evaluated: 2025-10-26. Review status: criteria provided, single submitter. Criteria: Invitae Variant Classification Sherloc (09022015). Collection method: clinical testing. Allele origin: germline.
Comment: This sequence change replaces proline, which is neutral and non-polar, with threonine, which is neutral and polar, at codon 37 of the AIMP2 protein (p.Pro37Thr). This variant is present in population databases (rs6977072, gnomAD 0.01%). This variant has not been reported in the literature in individuals affected with AIMP2-related conditions. An algorithm developed to predict the effect of missense changes on protein structure and function (PolyPhen-2) suggests that this variant is likely to be tolerated. In summary, the available evidence is currently insufficient to determine the role of this variant in disease. Therefore, it has been classified as a Variant of Uncertain Significance.

NM_006303.4(AIMP2):c.109C>A (p.Pro37Thr)

Gene: AIMP2 (aminoacyl tRNA synthetase complex interacting multifunctional protein 2; plus strand). Cytogenetic location: 7p22.1.
Variant type: single nucleotide variant.
Coding change: c.109C>A on transcript NM_006303.4 (MANE Select); coding-DNA position 109, C replaced by A.
Protein change: p.Pro37Thr; replaces proline 37 with threonine.
Molecular consequence: missense variant. On other transcripts: 5 prime UTR variant (1), intron variant (3).
Genome position (GRCh38, 1-based): chr7:6,009,472, C>A. VCF-style: chr7-6009472-C-A. GRCh37 (hg19) VCF-style: chr7-6049103-C-A.
Other names: c.109C>A, p.Pro37Thr (NM_001326607.2); c.-212C>A (NM_001326609.2); c.-238+94C>A (NM_001326611.3); c.-251+94C>A (NM_001326610.2); c.15+94C>A (NM_001326606.2); short protein forms P37T.
Identifiers: ClinVar variation 4750924 (VCV004750924.1).